The following is an entry in ClinVar:

ClinVar aggregate classification (germline): Uncertain significance (1 of 4 stars; one submission).

Allele frequency attached by ClinVar (database versions not stated): ExAC 0.00002; TOPMed 0.00002; gnomAD exomes 0.00005.
gnomAD v4.1: 67 of 1,611,562 alleles (0.0042%); highest among the groups gnomAD compares: Non-Finnish European, 0.0053%; no homozygotes.

Submission:

Labcorp Genetics (formerly Invitae), Labcorp
Classification: Uncertain significance. Last evaluated: 2024-02-06. Review status: criteria provided, single submitter. Criteria: Invitae Variant Classification Sherloc (09022015). Collection method: clinical testing. Allele origin: germline.
Comment: This sequence change replaces proline, which is neutral and non-polar, with threonine, which is neutral and polar, at codon 45 of the BMP2 protein (p.Pro45Thr). This variant is present in population databases (rs757825179, gnomAD 0.006%). This variant has not been reported in the literature in individuals affected with BMP2-related conditions. An algorithm developed to predict the effect of missense changes on protein structure and function (PolyPhen-2) suggests that this variant is likely to be disruptive. In summary, the available evidence is currently insufficient to determine the role of this variant in disease. Therefore, it has been classified as a Variant of Uncertain Significance.

NM_001200.4(BMP2):c.133C>A (p.Pro45Thr)

Gene: BMP2 (bone morphogenetic protein 2; plus strand). Cytogenetic location: 20p12.3.
Variant type: single nucleotide variant.
Coding change: c.133C>A on transcript NM_001200.4 (MANE Select); coding-DNA position 133, C replaced by A.
Protein change: p.Pro45Thr; replaces proline 45 with threonine.
Molecular consequence: missense variant.
Genome position (GRCh38, 1-based): chr20:6,770,259, C>A. VCF-style: chr20-6770259-C-A. GRCh37 (hg19) VCF-style: chr20-6750906-C-A.
Other names: short protein forms P45T.
Identifiers: ClinVar variation 2852875 (VCV002852875.3), dbSNP rs757825179, ClinGen allele CA9758603.
Genomic context (GRCh38, chr20:6,770,259, plus strand): 5'-GTTCCGGAGCTGGGCCGCAGGAAGTTCGCGGCGGCGTCGTCGGGCCGCCCCTCATCCCAG[C>A]CCTCTGACGAGGTCCTGAGCGAGTTCGAGTTGCGGCTGCTCAGCATGTTCGGCCTGAAAC-3'
Protein context (NP_001191.1, residues 35-55): AASSGRPSSQ[Pro45Thr]SDEVLSEFEL